The following is an entry in ClinVar:

NM_001003800.2(BICD2):c.2125G>T (p.Ala709Ser)

Gene: BICD2 (BICD cargo adaptor 2; minus strand). Cytogenetic location: 9q22.31.
Variant type: single nucleotide variant.
Coding change: c.2125G>T on transcript NM_001003800.2 (MANE Select); coding-DNA position 2125, G replaced by T.
Protein change: p.Ala709Ser; replaces alanine 709 with serine.
Molecular consequence: missense variant.
Genome position (GRCh38, 1-based): chr9:92,717,930, C>A on the plus strand (G>T on the coding strand, the complement: BICD2 is on the minus strand). VCF-style: chr9-92717930-C-A. GRCh37 (hg19) VCF-style: chr9-95480212-C-A.
Other names: c.2125G>T, p.Ala709Ser (NM_015250.4); short protein forms A709S.
Identifiers: ClinVar variation 4700663 (VCV004700663.2).

ClinVar aggregate classification (germline): Uncertain significance. Review status: criteria provided, multiple submitters, no conflicts (2 of 4 stars). 2 submissions from 2 submitters: Uncertain significance (2). Last evaluated 2026-08-01.

Conditions:
Autosomal dominant childhood-onset proximal spinal muscular atrophy with contractures (SMALED2A). Also called: SPINAL MUSCULAR ATROPHY, LOWER EXTREMITY-PREDOMINANT, 2A, CHILDHOOD ONSET, AUTOSOMAL DOMINANT; Spinal muscular atrophy, lower extremity-predominant, 2A, autosomal dominant. Identifiers: Orphanet 363447, Orphanet 363454, MedGen C4747715, MONDO:0014121, OMIM 615290.

gnomAD v4.1: 7 of 1,613,406 alleles (0.00043%); highest among the groups gnomAD compares: Non-Finnish European, 0.00059%; no homozygotes.

Submissions (2):

CeGaT Center for Human Genetics Tuebingen
Classification: Uncertain significance. Last evaluated: 2026-08-01. Review status: criteria provided, single submitter. Criteria: CeGaT Center For Human Genetics Tuebingen Variant Classification Criteria Version 2. Collection method: clinical testing. Allele origin: germline. Affected: yes. Observed: 1 variant allele.
Comment: BICD2: PP2

Labcorp Genetics (formerly Invitae), Labcorp
Classification: Uncertain significance for Autosomal dominant childhood-onset proximal spinal muscular atrophy with contractures. Last evaluated: 2025-05-01. Review status: criteria provided, single submitter. Criteria: Invitae Variant Classification Sherloc (09022015). Collection method: clinical testing. Allele origin: germline.
Comment: This sequence change replaces alanine, which is neutral and non-polar, with serine, which is neutral and polar, at codon 709 of the BICD2 protein (p.Ala709Ser). This variant is not present in population databases (gnomAD no frequency). This variant has not been reported in the literature in individuals affected with BICD2-related conditions. Invitae Evidence Modeling of protein sequence and biophysical properties (such as structural, functional, and spatial information, amino acid conservation, physicochemical variation, residue mobility, and thermodynamic stability) indicates that this missense variant is not expected to disrupt BICD2 protein function with a negative predictive value of 80%. In summary, the available evidence is currently insufficient to determine the role of this variant in disease. Therefore, it has been classified as a Variant of Uncertain Significance.